The following is an entry in ClinVar:

NM_001374353.1(GLI2):c.3310G>C (p.Ala1104Pro)

Gene: GLI2 (GLI family zinc finger 2; plus strand). Cytogenetic location: 2q14.2.
Variant type: single nucleotide variant.
Coding change: c.3310G>C on transcript NM_001374353.1 (MANE Select); coding-DNA position 3310, G replaced by C.
Protein change: p.Ala1104Pro; replaces alanine 1104 with proline.
Molecular consequence: missense variant.
Genome position (GRCh38, 1-based): chr2:120,989,275, G>C. VCF-style: chr2-120989275-G-C. GRCh37 (hg19) VCF-style: chr2-121746851-G-C.
Other names: c.3361G>C, p.Ala1121Pro (NM_001371271.1, NM_005270.5); c.2935G>C, p.Ala979Pro (NM_001374354.1); short protein forms A1121P, A1104P, A979P.
Identifiers: ClinVar variation 2408416 (VCV002408416.7), dbSNP rs368122191, ClinGen allele CA1852371.
Genomic context (GRCh38, chr2:120,989,275, plus strand): 5'-AGCCCGGGGCTGCACGGCCAGCGCAGGATGGTGGCTGCGGACTCCAACGTGGGCCCCTCC[G>C]CCCCTATGCTGGGAGGATGCCAGTTAGGCTTTGGGGCGCCCTCCAGCCTGAACAAAAATA-3'
Protein context (NP_001361282.1, residues 1094-1114): VAADSNVGPS[Ala1104Pro]PMLGGCQLGF

ClinVar aggregate classification (germline): Conflicting classifications of pathogenicity. Review status: criteria provided, conflicting classifications (1 of 4 stars). 3 submissions from 3 submitters: Uncertain significance (2); Likely benign (1). Last evaluated 2026-01-06.

Conditions:
Holoprosencephaly 9 (HPE9). Also called: HOLOPROSENCEPHALY WITH MICROPHTHALMIA AND FIRST BRANCHIAL ARCH ANOMALIES; PITUITARY ANOMALIES WITH HOLOPROSENCEPHALY-LIKE FEATURES. Identifiers: Orphanet 2162, MedGen C1835819, MONDO:0012563, OMIM 610829.
Postaxial polydactyly-anterior pituitary anomalies-facial dysmorphism syndrome. Also called: Culler-Jones syndrome. Identifiers: Orphanet 420584, MedGen C4014479, MONDO:0014369, OMIM 615849.
Inborn genetic diseases. Identifiers: MedGen C0950123, MeSH D030342.

Allele frequency attached by ClinVar (database versions not stated): 1000 Genomes Project 30x 0.00016; 1000 Genomes Project 0.00020.
gnomAD v4.1: 45 of 1,613,094 alleles (0.0028%); highest among the groups gnomAD compares: African/African-American, 0.048%; 1 homozygote.

Submissions (3):

Women's Health and Genetics/Laboratory Corporation of America, LabCorp
Classification: Uncertain significance. Last evaluated: 2026-01-06. Review status: criteria provided, single submitter. Criteria: LabCorp Variant Classification Summary - May 2015. Collection method: clinical testing. Allele origin: germline.
Comment: Variant summary: GLI2 c.3361G>C (p.Ala1121Pro) results in a non-conservative amino acid change in the encoded protein sequence. Algorithms developed to predict the effect of missense changes on protein structure and function are either unavailable or do not agree on the potential impact of this missense change. The variant allele was found at a frequency of 2.8e-05 in 1613094 control chromosomes in the gnomAD database, including 1 homozygote. This frequency is not significantly higher than estimated for disease-causing variants in GLI2, allowing no conclusion about variant significance. c.3361G>C has been observed in individual(s) affected with congenital hypopituitarism (Gregory_2023). These report(s) do not provide unequivocal conclusions about association of the variant with GLI2-Related Disorders. To our knowledge, no experimental evidence demonstrating an impact on protein function has been reported. The following publication has been ascertained in the context of this evaluation (PMID: 37165954). ClinVar contains an entry for this variant (Variation ID: 2408416). Based on the evidence outlined above, the variant was classified as VUS-possibly benign.

Labcorp Genetics (formerly Invitae), Labcorp
Classification: Uncertain significance for Postaxial polydactyly-anterior pituitary anomalies-facial dysmorphism syndrome; Holoprosencephaly 9. Last evaluated: 2024-07-29. Review status: criteria provided, single submitter. Criteria: Invitae Variant Classification Sherloc (09022015). Collection method: clinical testing. Allele origin: germline.
Comment: This sequence change replaces alanine, which is neutral and non-polar, with proline, which is neutral and non-polar, at codon 1121 of the GLI2 protein (p.Ala1121Pro). This variant is present in population databases (rs368122191, gnomAD 0.03%). This variant has not been reported in the literature in individuals affected with GLI2-related conditions. ClinVar contains an entry for this variant (Variation ID: 2408416). Advanced modeling of protein sequence and biophysical properties (such as structural, functional, and spatial information, amino acid conservation, physicochemical variation, residue mobility, and thermodynamic stability) performed at Invitae indicates that this missense variant is not expected to disrupt GLI2 protein function with a negative predictive value of 80%. In summary, the available evidence is currently insufficient to determine the role of this variant in disease. Therefore, it has been classified as a Variant of Uncertain Significance.

Ambry Genetics
Classification: Likely benign for Inborn genetic diseases. Last evaluated: 2021-10-29. Review status: criteria provided, single submitter. Criteria: Ambry Variant Classification Scheme 2023. Collection method: clinical testing. Allele origin: germline.

Literature cited by the submitters: PubMed 37165954 (cited by Women's Health and Genetics/Laboratory Corporation of America, LabCorp).